The following is an entry in ClinVar:

NM_001135022.2(ELMOD3):c.1126G>A (p.Glu376Lys)

Gene: ELMOD3 (ELMO domain containing 3; plus strand). Cytogenetic location: 2p11.2.
Variant type: single nucleotide variant.
Coding change: c.1126G>A on transcript NM_001135022.2 (MANE Select); coding-DNA position 1126, G replaced by A.
Protein change: p.Glu376Lys; replaces glutamic acid 376 with lysine.
Molecular consequence: missense variant. On other transcripts: non-coding transcript variant (3).
Genome position (GRCh38, 1-based): chr2:85,390,942, G>A. VCF-style: chr2-85390942-G-A. GRCh37 (hg19) VCF-style: chr2-85618065-G-A.
Other names: c.1126G>A (NM_001135021.1); c.1126G>A, p.Glu376Lys (NM_001135021.2, NM_001135023.2, NM_001329791.2 and 2 more transcripts); short protein forms E376K.
Identifiers: ClinVar variation 1318159 (VCV001318159.8), dbSNP rs564403550, ClinGen allele CA1740611.
Genomic context (GRCh38, chr2:85,390,942, plus strand): 5'-GCCCCTCCCTTCAAGGATCTCACCTTCACAGGTGAGAGTGACCTGCAGTCTCACTCATCC[G>A]AAGGCGTATGGCTGATCTGACCTCCGAGATGAATGGAGGCTTAAAGGCTGAGCTGCAGGG-3'
Protein context (NP_001128494.1, residues 366-381): GESDLQSHSS[Glu376Lys]GVWLI

ClinVar aggregate classification (germline): Conflicting classifications of pathogenicity. Review status: criteria provided, conflicting classifications (1 of 4 stars). 3 submissions from 3 submitters: Uncertain significance (2); Likely benign (1). Last evaluated 2026-04-20.

Conditions:
ELMOD3-related disorder. Also called: ELMOD3-related condition.

Allele frequency attached by ClinVar (database versions not stated): gnomAD 0.00015 and 0.00016; TOPMed 0.00017; ExAC 0.00019; gnomAD exomes 0.00034; 1000 Genomes Project 0.00040; 1000 Genomes Project 30x 0.00047.
gnomAD v4.1: 144 of 1,551,650 alleles (0.0093%); highest among the groups gnomAD compares: Admixed American, 0.086%; no homozygotes.

Submissions (3):

PreventionGenetics, part of Exact Sciences
Classification: Uncertain significance for ELMOD3-related condition. Last evaluated: 2026-04-20. Review status: criteria provided, single submitter. Criteria: ACMG Guidelines, 2015. Collection method: clinical testing. Allele origin: germline.
Comment: The ELMOD3 c.1126G>A variant is predicted to result in the amino acid substitution p.Glu376Lys. To our knowledge, this variant has not been reported in the literature. This variant is reported in 0.13% of alleles in individuals of Latino descent in gnomAD. Although we suspect that this variant may be benign, at this time, the clinical significance of this variant is uncertain due to the absence of conclusive functional and genetic evidence.

Labcorp Genetics (formerly Invitae), Labcorp
Classification: Uncertain significance. Last evaluated: 2025-12-23. Review status: criteria provided, single submitter. Criteria: Invitae Variant Classification Sherloc (09022015). Collection method: clinical testing. Allele origin: germline.
Comment: This sequence change replaces glutamic acid, which is acidic and polar, with lysine, which is basic and polar, at codon 376 of the ELMOD3 protein (p.Glu376Lys). This variant is present in population databases (rs564403550, gnomAD 0.1%), and has an allele count higher than expected for a pathogenic variant. This variant has not been reported in the literature in individuals affected with ELMOD3-related conditions. ClinVar contains an entry for this variant (Variation ID: 1318159). An algorithm developed to predict the effect of missense changes on protein structure and function (PolyPhen-2) suggests that this variant is likely to be tolerated. In summary, the available evidence is currently insufficient to determine the role of this variant in disease. Therefore, it has been classified as a Variant of Uncertain Significance.

GeneDx
Classification: Likely benign. Last evaluated: 2020-12-12. Review status: criteria provided, single submitter. Criteria: GeneDx Variant Classification Process June 2021. Collection method: clinical testing. Allele origin: germline. Affected: yes.